The following is an entry in ClinVar:

ClinVar aggregate classification (germline): Uncertain significance (1 of 4 stars; one submission).

Allele frequency attached by ClinVar (database versions not stated): gnomAD exomes below 0.00001.

Submission:

Ambry Genetics
Classification: Uncertain significance. Last evaluated: 2023-12-19. Review status: criteria provided, single submitter. Criteria: Ambry Variant Classification Scheme 2023. Collection method: clinical testing. Allele origin: germline.
Comment: The p.I895F variant (also known as c.2683A>T), located in coding exon 22 of the BUB1 gene, results from an A to T substitution at nucleotide position 2683. The isoleucine at codon 895 is replaced by phenylalanine, an amino acid with highly similar properties. This amino acid position is conserved. In addition, this alteration is predicted to be tolerated by in silico analysis. Since supporting evidence is limited at this time, the clinical significance of this alteration remains unclear.

NM_004336.5(BUB1):c.2683A>T (p.Ile895Phe)

Gene: BUB1 (BUB1 mitotic checkpoint serine/threonine kinase; minus strand). Cytogenetic location: 2q13.
Variant type: single nucleotide variant.
Coding change: c.2683A>T on transcript NM_004336.5 (MANE Select); coding-DNA position 2683, A replaced by T.
Protein change: p.Ile895Phe; replaces isoleucine 895 with phenylalanine.
Molecular consequence: missense variant. On other transcripts: intron variant (1).
Genome position (GRCh38, 1-based): chr2:110,641,407, T>A on the plus strand (A>T on the coding strand, the complement: BUB1 is on the minus strand). VCF-style: chr2-110641407-T-A. GRCh37 (hg19) VCF-style: chr2-111398984-T-A.
Other names: c.2623A>T, p.Ile875Phe (NM_001278616.2); c.2626-215A>T (NM_001278617.2); short protein forms I875F, I895F.
Identifiers: ClinVar variation 3224061 (VCV003224061.1), dbSNP rs2467971190, ClinGen allele CA348089803.
Genomic context (GRCh38, chr2:110,641,407, plus strand): 5'-GAATGATTTCACAGTCATGCACTTGCTCAATCATGTAAAGCATTCTCATAGCAAAAGAGA[T>A]GACAAGACCTTGAGGCATCACTTTTTCAGGGGTATTTTTATAGAGGTTAATGGCATTCTA-3'
Protein context (NP_004327.1, residues 885-905): PEKVMPQGLV[Ile895Phe]SFAMRMLYMI